The following is an entry in ClinVar:

NM_022821.4(ELOVL1):c.248C>T (p.Ser83Leu)

Gene: ELOVL1 (ELOVL fatty acid elongase 1; minus strand). Cytogenetic location: 1p34.2.
Variant type: single nucleotide variant.
Coding change: c.248C>T on transcript NM_022821.4 (MANE Select); coding-DNA position 248, C replaced by T.
Protein change: p.Ser83Leu; replaces serine 83 with leucine.
Molecular consequence: missense variant. On other transcripts: non-coding transcript variant (1), intron variant (1).
Genome position (GRCh38, 1-based): chr1:43,364,998, G>A on the plus strand (C>T on the coding strand, the complement: ELOVL1 is on the minus strand). VCF-style: chr1-43364998-G-A. GRCh37 (hg19) VCF-style: chr1-43830669-G-A.
Other names: c.248C>T, p.Ser83Leu (NM_001256399.2); c.5C>T, p.Ser2Leu (NM_001256402.2); c.237+188C>T (NM_001256401.2); short protein forms S2L, S83L.
Identifiers: ClinVar variation 4797940 (VCV004797940.1).

ClinVar aggregate classification (germline): Uncertain significance (1 of 4 stars; one submission).

Submission:

Labcorp Genetics (formerly Invitae), Labcorp
Classification: Uncertain significance. Last evaluated: 2025-09-24. Review status: criteria provided, single submitter. Criteria: Invitae Variant Classification Sherloc (09022015). Collection method: clinical testing. Allele origin: germline.
Comment: This sequence change replaces serine, which is neutral and polar, with leucine, which is neutral and non-polar, at codon 83 of the ELOVL1 protein (p.Ser83Leu). This variant is not present in population databases (gnomAD no frequency). This missense change has been observed in individual(s) with clinical features of ELOVL1-related conditions (PMID: 40590574). Invitae Evidence Modeling of protein sequence and biophysical properties (such as structural, functional, and spatial information, amino acid conservation, physicochemical variation, residue mobility, and thermodynamic stability) indicates that this missense variant is not expected to disrupt ELOVL1 protein function with a negative predictive value of 80%. In summary, the available evidence is currently insufficient to determine the role of this variant in disease. Therefore, it has been classified as a Variant of Uncertain Significance.

Literature cited by the submitters: PubMed 40590574.